The following is an entry in ClinVar:

NM_025137.4(SPG11):c.1603-25_1690del

Gene: SPG11 (SPG11 vesicle trafficking associated, spatacsin; minus strand). Cytogenetic location: 15q21.1.
Variant type: Deletion.
Coding change: c.1603-25_1690del on transcript NM_025137.4 (MANE Select); 25 bases into the intron before coding-DNA position 1603 through coding-DNA position 1690, 113 bases deleted.
Molecular consequence: splice acceptor variant.
Genome position (GRCh38, 1-based): chr15:44,633,550-44,633,662, 113 bases deleted. GRCh37 (hg19): chr15:44,925,753-44,925,865.
Other names: c.1603-25_1690del (NM_001160227.2).
Identifiers: ClinVar variation 1068077 (VCV001068077.7), dbSNP rs2141056788, ClinGen allele CA2499222951.

ClinVar aggregate classification (germline): Likely pathogenic (1 of 4 stars; one submission).

Conditions:
Hereditary spastic paraplegia 11. Also called: SPASTIC PARAPLEGIA, AUTOSOMAL RECESSIVE, COMPLICATED, WITH THIN CORPUS CALLOSUM; SPASTIC PARAPLEGIA, AUTOSOMAL RECESSIVE, WITH MENTAL IMPAIRMENT AND THIN CORPUS CALLOSUM; Nakamura Osame syndrome; Autosomal recessive hereditary spastic paraplegia, mental impairment, and thin corpus callosum; Spastic paraplegia, mental retardation and thin corpus callosum; Spastic Paraplegia 11. Identifiers: Orphanet 2822, MedGen C1858479, MONDO:0011445, OMIM 604360.

Submission:

Labcorp Genetics (formerly Invitae), Labcorp
Classification: Likely pathogenic for Hereditary spastic paraplegia 11. Last evaluated: 2020-07-15. Review status: criteria provided, single submitter. Criteria: Invitae Variant Classification Sherloc (09022015). Collection method: clinical testing. Allele origin: germline.
Comment: In summary, the currently available evidence indicates that the variant is pathogenic, but additional data are needed to prove that conclusively. Therefore, this variant has been classified as Likely Pathogenic. This variant results in the deletion of part of exon 8 (c.1603-25_1690del) of the SPG11 gene. It is expected to disrupt RNA splicing and likely results in an absent or disrupted protein product. This variant has been observed in individual(s) with clinical features of hereditary motor and sensory neuropathy (Invitae). Algorithms developed to predict the effect of sequence changes on RNA splicing suggest that this variant may disrupt the consensus splice site, but this prediction has not been confirmed by published transcriptional studies. Loss-of-function variants in SPG11 are known to be pathogenic (PMID: 19105190, 20110243, 22154821).

Literature cited by the submitters: PubMed 19105190; PubMed 20110243; PubMed 22154821.